The following is an entry in ClinVar:

NM_006914.4(RORB):c.1270G>A (p.Gly424Arg)

Genes: RORB (RAR related orphan receptor B; plus strand), LOC124310566 (Sharpr-MPRA regulatory region 9792; plus strand). Cytogenetic location: 9q21.13.
Variant type: single nucleotide variant.
Coding change: c.1270G>A on transcript NM_006914.4 (MANE Select); coding-DNA position 1270, G replaced by A.
Protein change: p.Gly424Arg; replaces glycine 424 with arginine.
Molecular consequence: missense variant.
Genome position (GRCh38, 1-based): chr9:74,685,508, G>A. VCF-style: chr9-74685508-G-A. GRCh37 (hg19) VCF-style: chr9-77300424-G-A.
Other names: c.1303G>A, p.Gly435Arg (NM_001365023.1); short protein forms G435R, G424R.
Identifiers: ClinVar variation 1359541 (VCV001359541.8), dbSNP rs1365145005, ClinGen allele CA373772520.

ClinVar aggregate classification (germline): Uncertain significance (1 of 4 stars; one submission).

Allele frequency attached by ClinVar (database versions not stated): gnomAD exomes 0.00001.
gnomAD v4.1: 4 of 1,613,158 alleles (0.00025%); highest among the groups gnomAD compares: Non-Finnish European, 0.00034%; no homozygotes.

Submission:

Labcorp Genetics (formerly Invitae), Labcorp
Classification: Uncertain significance. Last evaluated: 2025-03-31. Review status: criteria provided, single submitter. Criteria: Invitae Variant Classification Sherloc (09022015). Collection method: clinical testing. Allele origin: germline.
Comment: This sequence change replaces glycine, which is neutral and non-polar, with arginine, which is basic and polar, at codon 424 of the RORB protein (p.Gly424Arg). This variant is present in population databases (no rsID available, gnomAD 0.002%). This variant has not been reported in the literature in individuals affected with RORB-related conditions. ClinVar contains an entry for this variant (Variation ID: 1359541). An algorithm developed to predict the effect of missense changes on protein structure and function (PolyPhen-2) suggests that this variant is likely to be tolerated. In summary, the available evidence is currently insufficient to determine the role of this variant in disease. Therefore, it has been classified as a Variant of Uncertain Significance.